The following is an entry in ClinVar:

NM_001005242.3(PKP2):c.731C>G (p.Pro244Arg)

Gene: PKP2 (plakophilin 2; minus strand). Cytogenetic location: 12p11.21.
Variant type: single nucleotide variant.
Coding change: c.731C>G on transcript NM_001005242.3 (MANE Select); coding-DNA position 731, C replaced by G.
Protein change: p.Pro244Arg; replaces proline 244 with arginine.
Molecular consequence: missense variant.
Genome position (GRCh38, 1-based): chr12:32,878,149, G>C on the plus strand (C>G on the coding strand, the complement: PKP2 is on the minus strand). VCF-style: chr12-32878149-G-C. GRCh37 (hg19) VCF-style: chr12-33031083-G-C.
Other names: c.731C>G, p.Pro244Arg (NM_001407155.1, NM_001407156.1, NM_001407157.1 and 2 more transcripts); c.404C>G, p.Pro135Arg (NM_001407158.1, NM_001407159.1, NM_001407160.1 and 1 more transcripts); short protein forms P135R, P244R.
Identifiers: ClinVar variation 3224324 (VCV003224324.1), dbSNP rs2541340065, ClinGen allele CA384362900.

ClinVar aggregate classification (germline): Uncertain significance (1 of 4 stars; one submission).

Conditions:
Cardiovascular phenotype. Identifiers: MedGen CN230736.

Submission:

Ambry Genetics
Classification: Uncertain significance for Cardiovascular phenotype. Last evaluated: 2023-12-29. Review status: criteria provided, single submitter. Criteria: Ambry Variant Classification Scheme 2023. Collection method: clinical testing. Allele origin: germline.
Comment: The p.P244R variant (also known as c.731C>G), located in coding exon 3 of the PKP2 gene, results from a C to G substitution at nucleotide position 731. The proline at codon 244 is replaced by arginine, an amino acid with dissimilar properties. This amino acid position is conserved. In addition, the in silico prediction for this alteration is inconclusive. Since supporting evidence is limited at this time, the clinical significance of this alteration remains unclear.